The following is an entry in ClinVar:

ClinVar aggregate classification (germline): Likely benign. Review status: criteria provided, multiple submitters, no conflicts (2 of 4 stars). 4 submissions from 4 submitters: Likely benign (4). Last evaluated 2026-03-01.

Conditions:
Developmental and epileptic encephalopathy 94 (DEE94). Also called: Epileptic encephalopathy, childhood-onset; CHD2-Related Neurodevelopmental Disorders. Identifiers: Orphanet 1942, Orphanet 2382, MedGen C3809278, MONDO:0014150, OMIM 615369.

Allele frequency attached by ClinVar (database versions not stated): ExAC 0.00002; gnomAD 0.00003; gnomAD exomes 0.00003 and 0.00004; TOPMed 0.00004; ESP Exome Variant Server 0.00008.
gnomAD v4.1: 56 of 1,613,978 alleles (0.0035%); highest among the groups gnomAD compares: Non-Finnish European, 0.0042%; no homozygotes.

Submissions (4):

CeGaT Center for Human Genetics Tuebingen
Classification: Likely benign. Last evaluated: 2026-03-01. Review status: criteria provided, single submitter. Criteria: CeGaT Center For Human Genetics Tuebingen Variant Classification Criteria Version 2. Collection method: clinical testing. Allele origin: germline. Affected: yes. Observed: 3 variant alleles.
Comment: CHD2: BP4, BP7

Labcorp Genetics (formerly Invitae), Labcorp
Classification: Likely benign for Developmental and epileptic encephalopathy 94. Last evaluated: 2025-05-22. Review status: criteria provided, single submitter. Criteria: Invitae Variant Classification Sherloc (09022015). Collection method: clinical testing. Allele origin: germline.

Blueprint Genetics
Classification: Likely benign. Last evaluated: 2024-11-13. Review status: criteria provided, single submitter. Criteria: ACMG Guidelines, 2015. Collection method: clinical testing. Allele origin: germline.

GeneDx
Classification: Likely benign. Last evaluated: 2018-12-28. Review status: criteria provided, single submitter. Criteria: GeneDx Variant Classification Process June 2021. Collection method: clinical testing. Allele origin: germline. Affected: yes.

NM_001271.4(CHD2):c.585G>A (p.Pro195=)

Gene: CHD2 (chromodomain helicase DNA binding protein 2; plus strand). Cytogenetic location: 15q26.1.
Variant type: single nucleotide variant.
Coding change: c.585G>A on transcript NM_001271.4 (MANE Select); coding-DNA position 585, G replaced by A.
Protein change: p.Pro195=; no amino-acid change (proline 195 retained).
Molecular consequence: synonymous variant.
Genome position (GRCh38, 1-based): chr15:92,939,611, G>A. VCF-style: chr15-92939611-G-A. GRCh37 (hg19) VCF-style: chr15-93482841-G-A.
Other names: c.585G>A, p.Pro195= (NM_001042572.3).
Identifiers: ClinVar variation 512707 (VCV000512707.45), dbSNP rs371325259, ClinGen allele CA7747575.